The following is an entry in ClinVar:

NC_000016.10:g.780640T>C

Variant type: single nucleotide variant.
Genome position: GRCh38 VCF-style: chr16-780640-T-C. GRCh37 (hg19) VCF-style: chr16-830640-T-C.
Identifiers: ClinVar variation 2645859 (VCV002645859.23), dbSNP rs190966078, ClinGen allele CA7793292.

ClinVar aggregate classification (germline): Likely benign (1 of 4 stars; one submission).

Submission:

CeGaT Center for Human Genetics Tuebingen
Classification: Likely benign. Last evaluated: 2023-02-01. Review status: criteria provided, single submitter. Criteria: CeGaT Center For Human Genetics Tuebingen Variant Classification Criteria Version 2. Collection method: clinical testing. Allele origin: germline. Affected: yes. Observed: 1 variant allele.
Comment: MSLNL: BS2